The following is an entry in ClinVar:

ClinVar aggregate classification (germline): Uncertain significance (1 of 4 stars; one submission).

Conditions:
Hereditary cancer-predisposing syndrome. Also called: Neoplastic Syndromes, Hereditary; Tumor predisposition; Hereditary Cancer Syndrome; Hereditary neoplastic syndrome. Identifiers: Orphanet 140162, MedGen C0027672, MeSH D009386, MONDO:0015356.

Submission:

Ambry Genetics
Classification: Uncertain significance for Hereditary cancer-predisposing syndrome. Last evaluated: 2015-05-19. Review status: criteria provided, single submitter. Criteria: Ambry Autosomal Dominant and X-Linked criteria (10/2015). Collection method: clinical testing. Allele origin: germline. Observed: 1 variant allele.
Comment: The p.K513R variant (also known as c.1538A>G), located in coding exon 14 of the NF1 gene, results from an A to G substitution at nucleotide position 1538. The lysine at codon 513 is replaced by arginine, an amino acid with highly similar properties. This variant was not reported in population based cohorts in the following databases: Database of Single Nucleotide Polymorphisms (dbSNP), NHLBI Exome Sequencing Project (ESP), and 1000 Genomes Project. In the ESP, this variant was not observed in 6503 samples (13006 alleles) with coverage at this position. To date, this alteration has been detected with an allele frequency of approximately 0.002% (greater than 55000 alleles tested) in our clinical cohort.This amino acid position is highly conserved in available vertebrate species. In addition, this alteration is predicted to be tolerated by in silico analysis.Since supporting evidence for this variant is limited at this time, the clinical significance of p.K513Rremains unclear.

NM_001042492.3(NF1):c.1538A>G (p.Lys513Arg)

Gene: NF1 (neurofibromin 1; plus strand). Cytogenetic location: 17q11.2.
Variant type: single nucleotide variant.
Coding change: c.1538A>G on transcript NM_001042492.3 (MANE Select); coding-DNA position 1538, A replaced by G.
Protein change: p.Lys513Arg; replaces lysine 513 with arginine.
Molecular consequence: missense variant.
Genome position (GRCh38, 1-based): chr17:31,219,015, A>G. VCF-style: chr17-31219015-A-G. GRCh37 (hg19) VCF-style: chr17-29546033-A-G.
Other names: c.1538A>G, p.Lys513Arg (NM_000267.4, NM_001128147.3); short protein forms K513R.
Identifiers: ClinVar variation 231748 (VCV000231748.3), dbSNP rs876659336, ClinGen allele CA10580225.